The following is an entry in ClinVar:

NM_002103.5(GYS1):c.1859A>G (p.His620Arg)

Gene: GYS1 (glycogen synthase 1; minus strand). Cytogenetic location: 19q13.33.
Variant type: single nucleotide variant.
Coding change: c.1859A>G on transcript NM_002103.5 (MANE Select); coding-DNA position 1859, A replaced by G.
Protein change: p.His620Arg; replaces histidine 620 with arginine.
Molecular consequence: missense variant. On other transcripts: non-coding transcript variant (1).
Genome position (GRCh38, 1-based): chr19:48,969,806, T>C on the plus strand (A>G on the coding strand, the complement: GYS1 is on the minus strand). VCF-style: chr19-48969806-T-C. GRCh37 (hg19) VCF-style: chr19-49473063-T-C.
Other names: c.1667A>G, p.His556Arg (NM_001161587.2); short protein forms H556R, H620R.
Identifiers: ClinVar variation 1043805 (VCV001043805.8), dbSNP rs2038526603, ClinGen allele CA406759883.

ClinVar aggregate classification (germline): Uncertain significance (1 of 4 stars; one submission).

Conditions:
Glycogen storage disease due to muscle and heart glycogen synthase deficiency. Also called: GSD 0b; MUSCLE GLYCOGEN SYNTHASE DEFICIENCY. Identifiers: Orphanet 137625, MedGen C1969054, MONDO:0012693, OMIM 611556.

Allele frequency attached by ClinVar (database versions not stated): gnomAD 0.00001; TOPMed 0.00002.
gnomAD v4.1: 2 of 1,613,896 alleles (0.00012%); highest among the groups gnomAD compares: Admixed American, 0.0033%; no homozygotes.

Submission:

Labcorp Genetics (formerly Invitae), Labcorp
Classification: Uncertain significance for Glycogen storage disease due to muscle and heart glycogen synthase deficiency. Last evaluated: 2020-06-26. Review status: criteria provided, single submitter. Criteria: Invitae Variant Classification Sherloc (09022015). Collection method: clinical testing. Allele origin: germline.
Comment: This sequence change replaces histidine with arginine at codon 620 of the GYS1 protein (p.His620Arg). The histidine residue is weakly conserved and there is a small physicochemical difference between histidine and arginine. This variant is not present in population databases (ExAC no frequency). In summary, the available evidence is currently insufficient to determine the role of this variant in disease. Therefore, it has been classified as a Variant of Uncertain Significance. Algorithms developed to predict the effect of missense changes on protein structure and function (SIFT, PolyPhen-2, Align-GVGD) all suggest that this variant is likely to be tolerated, but these predictions have not been confirmed by published functional studies and their clinical significance is uncertain. This variant has not been reported in the literature in individuals with GYS1-related conditions.